The following is an entry in ClinVar:

NM_000552.5(VWF):c.5246C>T (p.Pro1749Leu)

Gene: VWF (von Willebrand factor; minus strand). Cytogenetic location: 12p13.31.
Variant type: single nucleotide variant.
Coding change: c.5246C>T on transcript NM_000552.5 (MANE Select); coding-DNA position 5246, C replaced by T.
Protein change: p.Pro1749Leu; replaces proline 1749 with leucine.
Molecular consequence: missense variant.
Genome position (GRCh38, 1-based): chr12:6,016,581, G>A on the plus strand (C>T on the coding strand, the complement: VWF is on the minus strand). VCF-style: chr12-6016581-G-A. GRCh37 (hg19) VCF-style: chr12-6125747-G-A.
Other names: c.5246C>T (NM_000552.4); short protein forms P1749L.
Identifiers: ClinVar variation 2290956 (VCV002290956.5), dbSNP rs751874044, ClinGen allele CA6402339.
Genomic context (GRCh38, chr12:6,016,581, plus strand): 5'-TGGCTGGGGCCTCCCTCCCGCTGCATGACGTCCACAAGGCTCAGCAAATGGGCTTTCTCC[G>A]GGACCACGTTCCATGGCACGTCAATGGTGGTGATGCTTCCATACTGCAGCACTGACACCT-3'
Protein context (NP_000543.3, residues 1739-1759): TTIDVPWNVV[Pro1749Leu]EKAHLLSLVD

ClinVar aggregate classification (germline): Uncertain significance. Review status: criteria provided, multiple submitters, no conflicts (2 of 4 stars). 3 submissions from 3 submitters: Uncertain significance (3). Last evaluated 2025-08-01.

Conditions:
Inborn genetic diseases. Identifiers: MedGen C0950123, MeSH D030342.

Allele frequency attached by ClinVar (database versions not stated): gnomAD 0.00001; gnomAD exomes 0.00002; ExAC 0.00003; TOPMed 0.00003.
gnomAD v4.1: 27 of 1,614,098 alleles (0.0017%); highest among the groups gnomAD compares: South Asian, 0.012%; no homozygotes.

Submissions (3):

Ambry Genetics
Classification: Uncertain significance for Inborn genetic diseases. Last evaluated: 2025-08-01. Review status: criteria provided, single submitter. Criteria: Ambry Variant Classification Scheme 2023. Collection method: clinical testing. Allele origin: germline.

Quest Diagnostics Nichols Institute San Juan Capistrano
Classification: Uncertain significance. Last evaluated: 2024-08-21. Review status: criteria provided, single submitter. Criteria: Quest Diagnostics criteria. Collection method: clinical testing. Allele origin: unknown.
Comment: The VWF c.5246C>T (p.Pro1749Leu) variant has not been reported in individuals with VWF-related conditions in the published literature. The frequency of this variant in the general population, 0.000098 (3/30616 chromosomes (Genome Aggregation Database)), is uninformative in the assessment of its pathogenicity. Analysis of this variant using bioinformatics tools for the prediction of the effect of amino acid changes on protein structure and function yielded predictions that this variant is benign. Based on the available information, we are unable to determine the clinical significance of this variant.

Breakthrough Genomics
Classification: Uncertain significance. Review status: criteria provided, single submitter. Criteria: ACMG Guidelines, 2015. Collection method: not provided. Allele origin: germline. Inheritance: Autosomal recessive inheritance. Affected: yes.